The following is an entry in ClinVar:

NM_000051.4(ATM):c.8987+20G>T

Genes: ATM (ATM serine/threonine kinase; plus strand), C11orf65 (chromosome 11 open reading frame 65; minus strand). Cytogenetic location: 11q22.3.
Variant type: single nucleotide variant.
Coding change: c.8987+20G>T on transcript NM_000051.4 (MANE Select); 20 bases into the intron after coding-DNA position 8987, G replaced by T.
Molecular consequence: intron variant.
Genome position (GRCh38, 1-based): chr11:108,365,238, G>T. VCF-style: chr11-108365238-G-T. GRCh37 (hg19) VCF-style: chr11-108235965-G-T.
Other names: c.8987+20G>T (NM_001351834.2); c.640+20682C>A (NM_001330368.2); c.694+20682C>A (NM_001351110.2).
Identifiers: ClinVar variation 513268 (VCV000513268.3), dbSNP rs1555151566, ClinGen allele CA658797737.

ClinVar aggregate classification (germline): Likely benign (1 of 4 stars; one submission).

Submission:

GeneDx
Classification: Likely benign. Last evaluated: 2017-11-07. Review status: criteria provided, single submitter. Criteria: GeneDx Variant Classification (06012015). Collection method: clinical testing. Allele origin: germline. Affected: yes.
Comment: This variant is considered likely benign or benign based on one or more of the following criteria: it is a conservative change, it occurs at a poorly conserved position in the protein, it is predicted to be benign by multiple in silico algorithms, and/or has population frequency not consistent with disease.